The following is an entry in ClinVar:

NM_006073.4(TRDN):c.44_49del (p.Thr15_Val16del)

Gene: TRDN (triadin; minus strand). Cytogenetic location: 6q22.31.
Variant type: Deletion.
Coding change: c.44_49del on transcript NM_006073.4 (MANE Select); coding-DNA positions 44 to 49, 6 bases deleted (CTGTGA; older notation c.44_49delCTGTGA).
Protein change: p.Thr15_Val16del.
Molecular consequence: inframe deletion.
Genome position (GRCh38, 1-based): chr6:123,571,106-123,571,111, TCACAG deleted on the plus strand (CTGTGA on the coding strand, the reverse complement: TRDN is on the minus strand); deleting any 6 consecutive bases within chr6:123,571,106-123,571,112 gives the same sequence; the c. name uses the placement nearest the transcript's 3' end. VCF-style (leftmost placement, unchanged base first): chr6-123571105-ATCACAG-A. GRCh37 (hg19) VCF-style: chr6-123892250-ATCACAG-A.
Other names: p.Thr15_Val16del; c.44_49del, p.Thr15_Val16del (NM_001251987.2, NM_001256020.2, NM_001256021.2 and 1 more transcripts).
Identifiers: ClinVar variation 849210 (VCV000849210.10), dbSNP rs1271763031, ClinGen allele CA818390168.

ClinVar aggregate classification (germline): Uncertain significance. Review status: criteria provided, multiple submitters, no conflicts (2 of 4 stars). 2 submissions from 2 submitters: Uncertain significance (2). Last evaluated 2024-06-07.

Conditions:
Catecholaminergic polymorphic ventricular tachycardia 1. Also called: VENTRICULAR TACHYCARDIA, CATECHOLAMINERGIC POLYMORPHIC, 1, WITH OR WITHOUT ATRIAL DYSFUNCTION AND/OR DILATED CARDIOMYOPATHY; VENTRICULAR TACHYCARDIA, STRESS-INDUCED POLYMORPHIC 1; RYR2-Related Catecholaminergic Polymorphic Ventricular Tachycardia. Identifiers: Orphanet 3286, MedGen C1631597, MONDO:0011484, OMIM 604772.

Submissions (2):

Mayo Clinic Laboratories, Mayo Clinic
Classification: Uncertain significance. Last evaluated: 2024-06-07. Review status: criteria provided, single submitter. Criteria: ACMG Guidelines, 2015. Collection method: clinical testing. Allele origin: germline. Observed: 1 variant allele.
Comment: BP4, PM2, PM4

Labcorp Genetics (formerly Invitae), Labcorp
Classification: Uncertain significance for Catecholaminergic polymorphic ventricular tachycardia 1. Last evaluated: 2021-09-25. Review status: criteria provided, single submitter. Criteria: Invitae Variant Classification Sherloc (09022015). Collection method: clinical testing. Allele origin: germline.
Comment: In summary, the available evidence is currently insufficient to determine the role of this variant in disease. Therefore, it has been classified as a Variant of Uncertain Significance. Experimental studies and prediction algorithms are not available or were not evaluated, and the functional significance of this variant is currently unknown. This variant has not been reported in the literature in individuals affected with TRDN-related conditions. This variant is not present in population databases (ExAC no frequency). This variant, c.44_49del, results in the deletion of 2 amino acid(s) of the TRDN protein (p.Thr15_Val16del), but otherwise preserves the integrity of the reading frame.